The following is an entry in ClinVar:

ClinVar aggregate classification (germline): Uncertain significance (1 of 4 stars; one submission).

Submission:

GeneDx
Classification: Uncertain significance. Last evaluated: 2026-02-15. Review status: criteria provided, single submitter. Criteria: GeneDx Variant Classification Process June 2021. Collection method: clinical testing. Allele origin: germline.
Comment: Not observed at significant frequency in large population cohorts (gnomAD); In silico analysis suggests that this missense variant does not alter protein structure/function; Has not been previously published as pathogenic or benign to our knowledge

NM_000381.4(MID1):c.1123T>C (p.Cys375Arg)

Gene: MID1 (midline 1; minus strand). Cytogenetic location: Xp22.2.
Variant type: single nucleotide variant.
Coding change: c.1123T>C on transcript NM_000381.4 (MANE Select); coding-DNA position 1123, T replaced by C.
Protein change: p.Cys375Arg; replaces cysteine 375 with arginine.
Molecular consequence: missense variant.
Genome position (GRCh38, 1-based): chrX:10,474,641, A>G on the plus strand (T>C on the coding strand, the complement: MID1 is on the minus strand). VCF-style: chrX-10474641-A-G. GRCh37 (hg19) VCF-style: chrX-10442681-A-G.
Other names: c.1123T>C, p.Cys375Arg (NM_001098624.2, NM_001193277.1, NM_001193279.1 and 2 more transcripts); c.1276T>C, p.Cys426Arg (NM_001193278.1); c.1009T>C, p.Cys337Arg (NM_001193280.1, NM_033289.2); short protein forms C337R, C375R, C426R.
Identifiers: ClinVar variation 5008224 (VCV005008224.1).
Genomic context (GRCh38, chrX:10,474,641, plus strand): 5'-ACTAAGTGTGCACAATATTAAAGAGAACATAAAAGACAATACCTGTAAGGTAATCCAGAC[A>G]TTCTAGCAGTTTCTTCTCTCGGGAAAAATCTAAGGCAAAGGTGTCAAATGTGTCATTGAG-3'
Protein context (NP_000372.1, residues 365-385): DFSREKKLLE[Cys375Arg]LDYLTAPNPP